The following is an entry in ClinVar:

ClinVar aggregate classification (germline): Uncertain significance. Review status: criteria provided, multiple submitters, no conflicts (2 of 4 stars). 3 submissions from 3 submitters: Uncertain significance (3). Last evaluated 2023-10-31.

Conditions:
Neuroblastoma, susceptibility to, 2. Identifiers: Orphanet 635, MedGen C2751682, MONDO:0700041, OMIM 613013.
Haddad syndrome (OHD). Also called: Ondine-Hirschsprung disease. Identifiers: Orphanet 99803, MedGen C1859049, MONDO:0020493.
Hereditary cancer-predisposing syndrome. Also called: Neoplastic Syndromes, Hereditary; Tumor predisposition; Hereditary neoplastic syndrome; Hereditary Cancer Syndrome. Identifiers: Orphanet 140162, MedGen C0027672, MeSH D009386, MONDO:0015356.

Allele frequency attached by ClinVar (database versions not stated): gnomAD exomes below 0.00001.
gnomAD v4.1: 5 of 1,613,498 alleles (0.00031%); highest among the groups gnomAD compares: Non-Finnish European, 0.00042%; no homozygotes.

Submissions (3):

Ambry Genetics
Classification: Uncertain significance for Hereditary cancer-predisposing syndrome. Last evaluated: 2023-10-31. Review status: criteria provided, single submitter. Criteria: Ambry Variant Classification Scheme 2023. Collection method: clinical testing. Allele origin: germline.
Comment: The p.D193H variant (also known as c.577G>C), located in coding exon 3 of the PHOX2B gene, results from a G to C substitution at nucleotide position 577. The aspartic acid at codon 193 is replaced by histidine, an amino acid with similar properties. This amino acid position is well conserved in available vertebrate species. In addition, the in silico prediction for this alteration is inconclusive. Since supporting evidence is limited at this time, the clinical significance of this alteration remains unclear.

Labcorp Genetics (formerly Invitae), Labcorp
Classification: Uncertain significance for Haddad syndrome. Last evaluated: 2023-08-07. Review status: criteria provided, single submitter. Criteria: Invitae Variant Classification Sherloc (09022015). Collection method: clinical testing. Allele origin: germline.
Comment: This sequence change replaces aspartic acid, which is acidic and polar, with histidine, which is basic and polar, at codon 193 of the PHOX2B protein (p.Asp193His). This variant is not present in population databases (gnomAD no frequency). This variant has not been reported in the literature in individuals affected with PHOX2B-related conditions. ClinVar contains an entry for this variant (Variation ID: 825967). Advanced modeling of protein sequence and biophysical properties (such as structural, functional, and spatial information, amino acid conservation, physicochemical variation, residue mobility, and thermodynamic stability) performed at Invitae indicates that this missense variant is not expected to disrupt PHOX2B protein function. In summary, the available evidence is currently insufficient to determine the role of this variant in disease. Therefore, it has been classified as a Variant of Uncertain Significance.

Baylor Genetics
Classification: Uncertain significance for Neuroblastoma, susceptibility to, 2. Last evaluated: 2023-05-16. Review status: criteria provided, single submitter. Criteria: ACMG Guidelines, 2015. Collection method: clinical testing. Allele origin: unknown.

NM_003924.4(PHOX2B):c.577G>C (p.Asp193His)

Gene: PHOX2B (paired like homeobox 2B; minus strand). Cytogenetic location: 4p13.
Variant type: single nucleotide variant.
Coding change: c.577G>C on transcript NM_003924.4 (MANE Select); coding-DNA position 577, G replaced by C.
Protein change: p.Asp193His; replaces aspartic acid 193 with histidine.
Molecular consequence: missense variant.
Genome position (GRCh38, 1-based): chr4:41,746,175, C>G on the plus strand (G>C on the coding strand, the complement: PHOX2B is on the minus strand). VCF-style: chr4-41746175-C-G. GRCh37 (hg19) VCF-style: chr4-41748192-C-G.
Other names: short protein forms D193H.
Identifiers: ClinVar variation 825967 (VCV000825967.13), dbSNP rs1577559273, ClinGen allele CA356737926.